The following is an entry in ClinVar:

NM_012310.5(KIF4A):c.1431+2T>A

Gene: KIF4A (kinesin family member 4A; plus strand). Cytogenetic location: Xq13.1.
Variant type: single nucleotide variant.
Coding change: c.1431+2T>A on transcript NM_012310.5 (MANE Select); the canonical splice donor site of the intron after coding-DNA position 1431, T replaced by A.
Molecular consequence: splice donor variant.
Genome position (GRCh38, 1-based): chrX:70,343,984, T>A. VCF-style: chrX-70343984-T-A. GRCh37 (hg19) VCF-style: chrX-69563834-T-A.
Identifiers: ClinVar variation 4975434 (VCV004975434.1).

ClinVar aggregate classification (germline): Uncertain significance (1 of 4 stars; one submission).

Submission:

GeneDx
Classification: Uncertain significance. Last evaluated: 2026-01-21. Review status: criteria provided, single submitter. Criteria: GeneDx Variant Classification Process June 2021. Collection method: clinical testing. Allele origin: germline.
Comment: Not observed at significant frequency in large population cohorts (gnomAD); Canonical splice site variant in a gene or region of a gene for which loss of function is not a well-established mechanism of disease; Has not been previously published as pathogenic or benign to our knowledge